The following is an entry in ClinVar:

ClinVar aggregate classification (germline): Likely benign. Review status: criteria provided, single submitter (1 of 4 stars). 2 submissions from 2 submitters: Likely benign (1). 1 of the submissions does not count toward it. Last evaluated 2023-11-14.

Conditions:
RPGRIP1L-related disorder. Also called: RPGRIP1L-related condition; RPGRIP1L-related disorders. Identifiers: MedGen CN239416.
Joubert syndrome. Also called: Familial aplasia of the vermis; JOUBERT-BOLTSHAUSER SYNDROME. Identifiers: Orphanet 475, MedGen C5979921, MONDO:0018772.
Meckel-Gruber syndrome. Also called: Dysencephalia splachnocystica; GRUBER SYNDROME; DYSENCEPHALIA SPLANCHNOCYSTICA. Identifiers: Orphanet 564, MedGen C0265215, MONDO:0018921.

Allele frequency attached by ClinVar (database versions not stated): gnomAD exomes below 0.00001; TOPMed 0.00001.
gnomAD v4.1: 1 of 1,613,634 alleles (0.000062%); highest among the groups gnomAD compares: Non-Finnish European, 0.000085%; no homozygotes.

Submissions (2):

Labcorp Genetics (formerly Invitae), Labcorp
Classification: Likely benign for Joubert syndrome; Meckel-Gruber syndrome. Last evaluated: 2023-11-14. Review status: criteria provided, single submitter. Criteria: Invitae Variant Classification Sherloc (09022015). Collection method: clinical testing. Allele origin: germline.

PreventionGenetics, part of Exact Sciences
Classification: Likely benign for RPGRIP1L-related condition. Last evaluated: 2022-12-14. Review status: no assertion criteria provided. Collection method: clinical testing. Allele origin: germline. Not counted in ClinVar's aggregate classification.
Comment: This variant is classified as likely benign based on ACMG/AMP sequence variant interpretation guidelines (Richards et al. 2015 PMID: 25741868, with internal and published modifications).

NM_015272.5(RPGRIP1L):c.678G>A (p.Glu226=)

Gene: RPGRIP1L (RPGRIP1 like; minus strand). Cytogenetic location: 16q12.2.
Variant type: single nucleotide variant.
Coding change: c.678G>A on transcript NM_015272.5 (MANE Select); coding-DNA position 678, G replaced by A.
Protein change: p.Glu226=; no amino-acid change (glutamic acid 226 retained).
Molecular consequence: synonymous variant.
Genome position (GRCh38, 1-based): chr16:53,686,531, C>T on the plus strand (G>A on the coding strand, the complement: RPGRIP1L is on the minus strand). VCF-style: chr16-53686531-C-T. GRCh37 (hg19) VCF-style: chr16-53720443-C-T.
Other names: c.678G>A (NM_015272.4); c.678G>A, p.Glu226= (NM_001127897.4, NM_001308334.3, NM_001330538.2).
Identifiers: ClinVar variation 1106606 (VCV001106606.10), dbSNP rs1970027900, ClinGen allele CA495539051.